The following is an entry in ClinVar:

NM_001127178.3(PIGG):c.2798C>T (p.Thr933Met)

Gene: PIGG (phosphatidylinositol glycan anchor biosynthesis class G (EMM blood group); plus strand). Cytogenetic location: 4p16.3.
Variant type: single nucleotide variant.
Coding change: c.2798C>T on transcript NM_001127178.3 (MANE Select); coding-DNA position 2798, C replaced by T.
Protein change: p.Thr933Met; replaces threonine 933 with methionine.
Molecular consequence: missense variant. On other transcripts: non-coding transcript variant (10).
Genome position (GRCh38, 1-based): chr4:539,215, C>T. VCF-style: chr4-539215-C-T. GRCh37 (hg19) VCF-style: chr4-533004-C-T.
Other names: c.2531C>T, p.Thr844Met (NM_001289051.2, NM_001345986.2); c.2399C>T, p.Thr800Met (NM_001289052.2); c.2507C>T, p.Thr836Met (NM_001345987.2); c.1769C>T, p.Thr590Met (NM_001345988.2); c.1265C>T, p.Thr422Met (NM_001345990.2, NM_001345991.2); c.1700C>T, p.Thr567Met (NM_001345994.2); c.2774C>T, p.Thr925Met (NM_017733.5); short protein forms T933M, T422M, T590M, T836M, T925M, T567M, T800M, T844M.
Identifiers: ClinVar variation 476342 (VCV000476342.10), dbSNP rs372561507, ClinGen allele CA2793760.

ClinVar aggregate classification (germline): Uncertain significance. Review status: criteria provided, multiple submitters, no conflicts (2 of 4 stars). 3 submissions from 3 submitters: Uncertain significance (3). Last evaluated 2026-04-07.

Conditions:
Intellectual disability, autosomal recessive 53 (NEDHSCA). Also called: GLYCOSYLPHOSPHATIDYLINOSITOL BIOSYNTHESIS DEFECT 13; Mental retardation, autosomal recessive 53; NEURODEVELOPMENTAL DISORDER WITH OR WITHOUT HYPOTONIA, SEIZURES, AND CEREBELLAR ATROPHY. Identifiers: Orphanet 488635, MedGen C4310794, MONDO:0014832, OMIM 616917.

Allele frequency attached by ClinVar (database versions not stated): ESP Exome Variant Server 0.00008; gnomAD 0.00017 and 0.00019; gnomAD exomes 0.00006 and 0.00012; 1000 Genomes Project 30x 0.00016; 1000 Genomes Project 0.00020; ExAC 0.00012; TOPMed 0.00016.

Submissions (4):

GeneDx
Classification: Uncertain significance. Last evaluated: 2026-04-07. Review status: criteria provided, single submitter. Criteria: GeneDx Variant Classification Process June 2021. Collection method: clinical testing. Allele origin: germline.
Comment: Reported previously as a homozygous variant in a patient with autism spectrum disorder, intellectual disability, learning disability, language impairment, ADHD, and behavioral problems; however, the patient had several homozygous variants reported in other genes and the cause of the symptoms was not clear (PMID: 39632905); In silico analysis suggests that this missense variant does not alter protein structure/function; This variant is associated with the following publications: (PMID: 39632905)

Labcorp Genetics (formerly Invitae), Labcorp
Classification: Uncertain significance for Intellectual disability, autosomal recessive 53. Last evaluated: 2022-10-07. Review status: criteria provided, single submitter. Criteria: Invitae Variant Classification Sherloc (09022015). Collection method: clinical testing. Allele origin: germline.
Comment: This sequence change replaces threonine, which is neutral and polar, with methionine, which is neutral and non-polar, at codon 933 of the PIGG protein (p.Thr933Met). This variant is present in population databases (rs372561507, gnomAD 0.06%). This variant has not been reported in the literature in individuals affected with PIGG-related conditions. ClinVar contains an entry for this variant (Variation ID: 476342). Advanced modeling of protein sequence and biophysical properties (such as structural, functional, and spatial information, amino acid conservation, physicochemical variation, residue mobility, and thermodynamic stability) performed at Invitae indicates that this missense variant is not expected to disrupt PIGG protein function. In summary, the available evidence is currently insufficient to determine the role of this variant in disease. Therefore, it has been classified as a Variant of Uncertain Significance.

Baylor Genetics
Classification: Uncertain significance for Intellectual disability, autosomal recessive 53. Last evaluated: 2018-12-13. Review status: criteria provided, single submitter. Criteria: ACMG Guidelines, 2015. Collection method: clinical testing. Allele origin: maternal. Affected: yes.
Comment: This variant was determined to be of uncertain significance according to ACMG Guidelines, 2015 [PMID:25741868].

Dr. Peter K. Rogan Lab, Western University
No classification provided (evidence only). Condition: Clear cell carcinoma of kidney. Review status: no classification provided. Collection method: in vitro. Allele origin: not applicable. Functional consequence: retained intron. Not counted in ClinVar's aggregate classification.